The following is an entry in ClinVar:

ClinVar aggregate classification (germline): Pathogenic (1 of 4 stars; one submission).

Conditions:
Hereditary spherocytosis type 2. Also called: SPHEROCYTOSIS, TYPE 2, AUTOSOMAL DOMINANT. Identifiers: Orphanet 822, MedGen C2674219, MONDO:0000913, OMIM 616649.

Submission:

MVZ Medizinische Genetik Mainz
Classification: Pathogenic for Hereditary spherocytosis type 2. Last evaluated: 2026-05-18. Review status: criteria provided, single submitter. Criteria: UK Practice Guidelines For Variant Classification V4 01 2020. Collection method: clinical testing. Allele origin: germline. Inheritance: Autosomal dominant inheritance. Affected: yes. Observed: 1 variant allele.
Comment: ACMG Criteria: PVS1,PM2_SUP,PP4

NM_001355436.2(SPTB):c.3396_3399del (p.Asp1133fs)

Gene: SPTB (spectrin beta, erythrocytic; minus strand). Cytogenetic location: 14q23.3.
Variant type: Deletion.
Coding change: c.3396_3399del on transcript NM_001355436.2 (MANE Select); coding-DNA positions 3396 to 3399, 4 bases deleted (GGAC; older notation c.3396_3399delGGAC).
Protein change: p.Asp1133fs; shifts the reading frame from aspartic acid 1133.
Molecular consequence: frameshift variant.
Genome position (GRCh38, 1-based): chr14:64,786,566-64,786,569, GTCC deleted on the plus strand (GGAC on the coding strand, the reverse complement: SPTB is on the minus strand); deleting any 4 consecutive bases within chr14:64,786,566-64,786,572 gives the same sequence; the c. name uses the placement nearest the transcript's 3' end. VCF-style (leftmost placement, unchanged base first): chr14-64786565-GGTCC-G. GRCh37 (hg19) VCF-style: chr14-65253283-GGTCC-G.
Other names: c.3396_3399del, p.Asp1133fs (NM_001024858.4, NM_001355437.2); short protein forms D1133fs.
Identifiers: ClinVar variation 5038132 (VCV005038132.1).